The following continues an entry in ClinVar:

NM_000540.3(RYR1):c.1589G>A (p.Arg530His)

Gene: RYR1. ClinVar aggregate classification (germline): Likely pathogenic. Likely pathogenic (1).

Submissions 20 to 25 of 25:

Laboratory for Molecular Medicine, Mass General Brigham Personalized Medicine
Classification: Likely pathogenic for Malignant hyperthermia of anesthesia. Last evaluated: 2020-03-28. Review status: criteria provided, single submitter. Criteria: LMM Criteria. Collection method: clinical testing. Allele origin: germline. Inheritance: Autosomal dominant inheritance. Observed: 4 variant alleles. Not counted in ClinVar's aggregate classification.
Comment: The p.Arg530His variant in RYR1 has been reported in 3 individuals with malignant hyperthermia (MH) and segregated with disease in 2 affected members from 1 family (Zullo 2009 PMID: 19191333, Levano 2009 PMID: 19191329, Miller 2018 PMID: 30236257). This variant has also been reported by other clinical laboratories in ClinVar (Variation ID 133101) and has been identified in 0.005% (6/113770) of European chromosomes by gnomAD. In vitro functional studies support an impact on the protein (Zullo 2009 PMID: 19191333, Hoppe 2016 PMID: 27646467), and computational prediction tools and conservation analysis are consistent with pathogenicity. In addition, this variant is located within the intracellular calcium-release channel domain, which is enriched with pathogenic variation and is considered a critical functional domain (Tilgen 2001 PMID: 11741831). Moreover, this variant has been classified as a diagnostic mutation by the European Malignant Hyperthermia Group (EMHG). In summary, although additional studies are required to fully establish its clinical significance, this variant meets criteria to be classified as likely pathogenic for autosomal dominant MH. ACMG/AMP criteria applied: PP3, PS3_Moderate, PS4_Supporting, PM1.

Broad Center for Mendelian Genomics, Broad Institute of MIT and Harvard
Classification: Pathogenic for King Denborough syndrome. Last evaluated: 2020-01-29. Review status: criteria provided, single submitter. Criteria: ACMG Guidelines, 2015. Collection method: curation. Allele origin: germline. Not counted in ClinVar's aggregate classification.
Comment: Please note that for diseases with clinical variability, or reduced penetrance, pathogenic variants may be present at a low frequency in the general population and individuals with this disease are clinically indistinguishable from the general population unless given anesthesia (PMID: 9199552). Although this variant has been seen in the general population, its frequency is low enough to be consistent with a dominant frequency for a disease with clinical variability or reduced penetrance. This variant has also been reported in ClinVar as a VUS, pathogenic, and likely pathogenic variant (Variation ID: 133101). In vitro functional studies provide some evidence that the p.Arg530His variant may impact protein function and may be partially rescued by a RYR1 antagonist (PMID: 19191333). However, these types of assays may not accurately represent biological function. Computational prediction tools and conservation analyses suggest that this variant may impact the protein, though this information is not predictive enough to determine pathogenicity. One additional variant, resulting in a different amino acid change at the same position, p.Arg530Leu, has been reported as a VUS in association with disease in ClinVar (Variation ID: 212096). The p.Arg530His is located in a region of RYR1 that is essential to regulating the sensitivity of a calcium channel, suggesting that this variant is in a functional domain and supports pathogenicity (PMID: 16084090). In summary, this variant meets criteria to be classified as pathogenic for King-Denborough syndrome in an autosomal dominant manner based on in vitro functional studies, population data, and multiple occurrences of affected individuals with this variant reported in the literature. ACMG/AMP Criteria applied: PS3, PM2, PS4_Moderate, PM1, PP3, PP1 (Richards 2015).

Juno Genomics, Hangzhou Juno Genomics, Inc
Classification: Likely pathogenic for Malignant hyperthermia, susceptibility to, 1. Review status: criteria provided, single submitter. Criteria: ACMG Guidelines, 2015. Collection method: clinical testing. Allele origin: germline. Not counted in ClinVar's aggregate classification.
Comment: The prevalence of the variant in affected individuals is significantly increased compared to the prevalence in controls.;Located in a mutational hot spot and/or critical and well-established functional domain without benign variation.;Multiple lines of computational evidence support a deleterious effect on the gene or gene product.

PreventionGenetics, part of Exact Sciences
Classification: Likely pathogenic for RYR1-related condition. Last evaluated: 2024-08-06. Review status: no assertion criteria provided. Collection method: clinical testing. Allele origin: germline. Not counted in ClinVar's aggregate classification.
Comment: The RYR1 c.1589G>A variant is predicted to result in the amino acid substitution p.Arg530His. This variant has been reported to be causative for malignant hyperthermia (MH) in two unrelated families, with functional evidence supporting pathogenicity (Zullo et al. 2009. PubMed ID: 19191333; Robinson et al. 2006. PubMed ID: 16917943). At PreventionGenetics we have observed this variant in the compound heterozygous state in two patients with congenital myopathy. This variant is reported in 0.014% of alleles in individuals of Latino descent in gnomAD. We classify this variant as likely pathogenic for both dominant and recessive RYR1-related disorders.

CSER _CC_NCGL, University of Washington
Classification: Pathogenic for Malignant hyperthermia. Last evaluated: 2014-06-01. Review status: no assertion criteria provided. Collection method: research. Allele origin: germline. Inheritance: Autosomal dominant inheritance. Study: ESP 6500 variant annotation. Not counted in ClinVar's aggregate classification.
Comment: Variants classified for the Actionable exomic incidental findings in 6503 participants: challenges of variant classification manuscript

RYR1 database
No classification provided. Review status: no classification provided. Collection method: not provided. Allele origin: unknown. Not counted in ClinVar's aggregate classification.

Literature cited by the submitters: PubMed 19191329 (cited by 9 submitters); PubMed 19191333 (cited by 10 submitters); PubMed 30236257 (cited by 10 submitters); PubMed 26578207 (cited by 4 submitters); PubMed 27646467 (cited by 5 submitters); PubMed 21118704 (cited by Color Diagnostics, LLC DBA Color Health and All of Us Research Program, National Institutes of Health); PubMed 33625594 (cited by 4 submitters); PubMed 35718563 (cited by 4 submitters); PubMed 16917943 (cited by 4 submitters); PubMed 25637381 (cited by Mayo Clinic Laboratories, Mayo Clinic and AiLife Diagnostics); PubMed 30291343 (cited by Mayo Clinic Laboratories, Mayo Clinic and AiLife Diagnostics); PubMed 31589614 (cited by Mayo Clinic Laboratories, Mayo Clinic and AiLife Diagnostics); PubMed 33146414 (cited by 3 submitters); PubMed 34426522 (cited by Mayo Clinic Laboratories, Mayo Clinic); PubMed 34849273 (cited by Mayo Clinic Laboratories, Mayo Clinic); PubMed 37787745 (cited by Mayo Clinic Laboratories, Mayo Clinic); PubMed 32236737 (cited by Women's Health and Genetics/Laboratory Corporation of America, LabCorp); PubMed 27147545 (cited by Laboratory for Molecular Medicine, Mass General Brigham Personalized Medicine); PubMed 11741831 (cited by Laboratory for Molecular Medicine, Mass General Brigham Personalized Medicine); PubMed 18564801 (cited by Laboratory for Molecular Medicine, Mass General Brigham Personalized Medicine); PubMed 16084090 (cited by Broad Center for Mendelian Genomics, Broad Institute of MIT and Harvard); PubMed 30155738 (cited by Broad Center for Mendelian Genomics, Broad Institute of MIT and Harvard).